The following is an entry in ClinVar:

ClinVar aggregate classification (germline): Uncertain significance (1 of 4 stars; one submission).

Conditions:
Norman-Roberts syndrome (LIS2). Also called: Lissencephaly 2 (Norman-Roberts type). Identifiers: Orphanet 89844, MedGen C0796089, MONDO:0009760, OMIM 257320.
Familial temporal lobe epilepsy 7. Identifiers: Orphanet 101046, MedGen C4225327, MONDO:0014639, OMIM 616436.

gnomAD v4.1: 9 of 1,614,052 alleles (0.00056%); highest among the groups gnomAD compares: Non-Finnish European, 0.00076%; no homozygotes.

Submission:

Labcorp Genetics (formerly Invitae), Labcorp
Classification: Uncertain significance for Familial temporal lobe epilepsy 7; Norman-Roberts syndrome. Last evaluated: 2024-02-17. Review status: criteria provided, single submitter. Criteria: Invitae Variant Classification Sherloc (09022015). Collection method: clinical testing. Allele origin: germline.
Comment: This sequence change replaces asparagine, which is neutral and polar, with lysine, which is basic and polar, at codon 2607 of the RELN protein (p.Asn2607Lys). This variant is present in population databases (no rsID available, gnomAD 0.0009%). This variant has not been reported in the literature in individuals affected with RELN-related conditions. ClinVar contains an entry for this variant (Variation ID: 1955070). Advanced modeling of protein sequence and biophysical properties (such as structural, functional, and spatial information, amino acid conservation, physicochemical variation, residue mobility, and thermodynamic stability) performed at Invitae indicates that this missense variant is not expected to disrupt RELN protein function with a negative predictive value of 80%. In summary, the available evidence is currently insufficient to determine the role of this variant in disease. Therefore, it has been classified as a Variant of Uncertain Significance.

NM_005045.4(RELN):c.7821C>A (p.Asn2607Lys)

Gene: RELN (reelin; minus strand). Cytogenetic location: 7q22.1.
Variant type: single nucleotide variant.
Coding change: c.7821C>A on transcript NM_005045.4 (MANE Select); coding-DNA position 7821, C replaced by A.
Protein change: p.Asn2607Lys; replaces asparagine 2607 with lysine.
Molecular consequence: missense variant.
Genome position (GRCh38, 1-based): chr7:103,519,364, G>T on the plus strand (C>A on the coding strand, the complement: RELN is on the minus strand). VCF-style: chr7-103519364-G-T. GRCh37 (hg19) VCF-style: chr7-103159811-G-T.
Other names: c.7821C>A, p.Asn2607Lys (NM_173054.3); short protein forms N2607K.
Identifiers: ClinVar variation 1955070 (VCV001955070.5), dbSNP rs772869992, ClinGen allele CA368764799.